The following is an entry in ClinVar:

ClinVar aggregate classification (germline): Conflicting classifications of pathogenicity. Review status: criteria provided, conflicting classifications (1 of 4 stars). 7 submissions from 7 submitters: Uncertain significance (4); Likely benign (1). 2 of the submissions do not count toward it. Last evaluated 2026-05-26.

Conditions:
Hidrotic ectodermal dysplasia syndrome (GJB6). Also called: Ectodermal dysplasia 2, hidrotic; Autosomal dominant hidrotic ectodermal dysplasia; Clouston syndrome; Clouston's hidrotic ectodermal dysplasia; ECTODERMAL DYSPLASIA 2, CLOUSTON TYPE; Hidrotic ectodermal dysplasia. Identifiers: Orphanet 189, MedGen C0162361, MONDO:0007510, OMIM 129500.
GJB6-related disorder. Also called: GJB6-related disorders.
Autosomal recessive nonsyndromic hearing loss 1A (DFNB1A). Also called: GJB2-Related Autosomal Recessive Nonsyndromic Hearing Loss; Connexin 26 deafness; Deafness nonsyndromic, Connexin 26 linked; Nonsyndromic Hearing Loss and Deafness, DFNB1; GJB6-Related DFNB 1 Nonsyndromic Hearing Loss and Deafness; Deafness, autosomal recessive 1A. Identifiers: Orphanet 90636, MedGen C2673759, MONDO:0009076, OMIM 220290.
Autosomal dominant nonsyndromic hearing loss 3B. Identifiers: Orphanet 90635, MedGen C2675237, MONDO:0012975, OMIM 612643.
Autosomal recessive nonsyndromic hearing loss 1B. Also called: DEAFNESS, AUTOSOMAL RECESSIVE 1B. Identifiers: Orphanet 90636, MedGen C2675235, MONDO:0012977, OMIM 612645.

Allele frequency attached by ClinVar (database versions not stated): ESP Exome Variant Server 0.00015; 1000 Genomes Project 30x 0.00016; 1000 Genomes Project 0.00020; TOPMed 0.00026; gnomAD 0.00031 and 0.00032; gnomAD exomes 0.00040 and 0.00059; ExAC 0.00050.

Submissions (7):

PreventionGenetics, part of Exact Sciences
Classification: Uncertain significance for GJB6-related condition. Last evaluated: 2026-05-26. Review status: criteria provided, single submitter. Criteria: ACMG Guidelines, 2015. Collection method: clinical testing. Allele origin: germline.
Comment: The GJB6 c.212T>C variant is predicted to result in the amino acid substitution p.Val71Ala. To our knowledge, this variant has not been reported in the literature. This variant is reported in 0.083% of alleles in individuals of European (Non-Finnish) descent in gnomAD. Although we suspect that this variant may be benign, at this time, the clinical significance of this variant is uncertain due to the absence of conclusive functional and genetic evidence.

Labcorp Genetics (formerly Invitae), Labcorp
Classification: Uncertain significance for Autosomal dominant nonsyndromic hearing loss 3B; Hidrotic ectodermal dysplasia syndrome; Autosomal recessive nonsyndromic hearing loss 1B; Autosomal recessive nonsyndromic hearing loss 1A. Last evaluated: 2024-12-24. Review status: criteria provided, single submitter. Criteria: Invitae Variant Classification Sherloc (09022015). Collection method: clinical testing. Allele origin: germline.
Comment: This sequence change replaces valine, which is neutral and non-polar, with alanine, which is neutral and non-polar, at codon 71 of the GJB6 protein (p.Val71Ala). This variant is present in population databases (rs200172266, gnomAD 0.08%), and has an allele count higher than expected for a pathogenic variant. This variant has not been reported in the literature in individuals affected with GJB6-related conditions. ClinVar contains an entry for this variant (Variation ID: 881662). Invitae Evidence Modeling of protein sequence and biophysical properties (such as structural, functional, and spatial information, amino acid conservation, physicochemical variation, residue mobility, and thermodynamic stability) indicates that this missense variant is expected to disrupt GJB6 protein function with a positive predictive value of 80%. In summary, the available evidence is currently insufficient to determine the role of this variant in disease. Therefore, it has been classified as a Variant of Uncertain Significance.

Blueprint Genetics
Classification: Uncertain significance. Last evaluated: 2024-10-16. Review status: criteria provided, single submitter. Criteria: ACMG Guidelines, 2015. Collection method: clinical testing. Allele origin: germline.

GeneDx
Classification: Likely benign. Last evaluated: 2021-04-23. Review status: criteria provided, single submitter. Criteria: GeneDx Variant Classification Process June 2021. Collection method: clinical testing. Allele origin: germline. Affected: yes.
Comment: Has not been previously published as pathogenic or benign to our knowledge; In silico analysis supports that this missense variant has a deleterious effect on protein structure/function

Illumina Laboratory Services, Illumina
Classification: Uncertain significance for Hidrotic ectodermal dysplasia syndrome. Last evaluated: 2017-04-27. Review status: criteria provided, single submitter. Criteria: ICSL Variant Classification Criteria 13 December 2019. Collection method: clinical testing. Allele origin: germline.

Clinical Genetics DNA and cytogenetics Diagnostics Lab, Erasmus MC, Erasmus Medical Center
Classification: Uncertain significance. Review status: no assertion criteria provided. Collection method: clinical testing. Allele origin: germline. Affected: yes. Study: VKGL Data-share Consensus. Not counted in ClinVar's aggregate classification.

Joint Genome Diagnostic Labs from Nijmegen and Maastricht, Radboudumc and MUMC+
Classification: Uncertain significance. Review status: no assertion criteria provided. Collection method: clinical testing. Allele origin: germline. Affected: yes. Study: VKGL Data-share Consensus. Not counted in ClinVar's aggregate classification.

NM_001110219.3(GJB6):c.212T>C (p.Val71Ala)

Gene: GJB6 (gap junction protein beta 6; minus strand). Cytogenetic location: 13q12.11.
Variant type: single nucleotide variant.
Coding change: c.212T>C on transcript NM_001110219.3 (MANE Select); coding-DNA position 212, T replaced by C.
Protein change: p.Val71Ala; replaces valine 71 with alanine.
Molecular consequence: missense variant.
Genome position (GRCh38, 1-based): chr13:20,223,269, A>G on the plus strand (T>C on the coding strand, the complement: GJB6 is on the minus strand). VCF-style: chr13-20223269-A-G. GRCh37 (hg19) VCF-style: chr13-20797408-A-G.
Other names: c.212T>C, p.Val71Ala (NM_001110220.3, NM_001110221.3, NM_001370090.1 and 3 more transcripts); c.212T>C (NM_001110219.2); short protein forms V71A.
Identifiers: ClinVar variation 881662 (VCV000881662.17), dbSNP rs200172266, ClinGen allele CA6904492.